The following is an entry in ClinVar:

NM_001286.5(CLCN6):c.514C>G (p.Pro172Ala)

Gene: CLCN6 (chloride voltage-gated channel 6; plus strand). Cytogenetic location: 1p36.22.
Variant type: single nucleotide variant.
Coding change: c.514C>G on transcript NM_001286.5 (MANE Select); coding-DNA position 514, C replaced by G.
Protein change: p.Pro172Ala; replaces proline 172 with alanine.
Molecular consequence: missense variant. On other transcripts: non-coding transcript variant (1).
Genome position (GRCh38, 1-based): chr1:11,823,767, C>G. VCF-style: chr1-11823767-C-G. GRCh37 (hg19) VCF-style: chr1-11883824-C-G.
Other names: c.448C>G, p.Pro150Ala (NM_001256959.2); short protein forms P150A, P172A.
Identifiers: ClinVar variation 3728441 (VCV003728441.2).

ClinVar aggregate classification (germline): Uncertain significance (1 of 4 stars; one submission).

Submission:

Labcorp Genetics (formerly Invitae), Labcorp
Classification: Uncertain significance. Last evaluated: 2025-01-01. Review status: criteria provided, single submitter. Criteria: Invitae Variant Classification Sherloc (09022015). Collection method: clinical testing. Allele origin: germline.
Comment: This sequence change replaces proline, which is neutral and non-polar, with alanine, which is neutral and non-polar, at codon 172 of the CLCN6 protein (p.Pro172Ala). This variant is not present in population databases (gnomAD no frequency). This variant has not been reported in the literature in individuals affected with CLCN6-related conditions. An algorithm developed to predict the effect of missense changes on protein structure and function (PolyPhen-2) suggests that this variant is likely to be disruptive. In summary, the available evidence is currently insufficient to determine the role of this variant in disease. Therefore, it has been classified as a Variant of Uncertain Significance.